The following is an entry in ClinVar:

ClinVar aggregate classification (germline): Likely benign. Review status: criteria provided, multiple submitters, no conflicts (2 of 4 stars). 2 submissions from 2 submitters: Likely benign (2). Last evaluated 2025-01-25.

Conditions:
3-methylglutaconic aciduria with deafness, encephalopathy, and Leigh-like syndrome (MEGDEL). Also called: 3-METHYLGLUTACONIC ACIDURIA, TYPE VI; SERAC1 Deficiency; MEGDEL syndrome. Identifiers: Orphanet 352328, MedGen C4040739, MONDO:0013875, OMIM 614739.

Allele frequency attached by ClinVar (database versions not stated): gnomAD exomes below 0.00001.
gnomAD v4.1: 2 of 1,613,830 alleles (0.00012%); highest among the groups gnomAD compares: South Asian, 0.0022%; no homozygotes.

Submissions (2):

Labcorp Genetics (formerly Invitae), Labcorp
Classification: Likely benign for 3-methylglutaconic aciduria with deafness, encephalopathy, and Leigh-like syndrome. Last evaluated: 2025-01-25. Review status: criteria provided, single submitter. Criteria: Invitae Variant Classification Sherloc (09022015). Collection method: clinical testing. Allele origin: germline.

CeGaT Center for Human Genetics Tuebingen
Classification: Likely benign. Last evaluated: 2024-06-01. Review status: criteria provided, single submitter. Criteria: CeGaT Center For Human Genetics Tuebingen Variant Classification Criteria Version 2. Collection method: clinical testing. Allele origin: germline. Affected: yes. Observed: 1 variant allele.
Comment: SERAC1: PM2:Supporting, BP4, BP7

NM_032861.4(SERAC1):c.1233C>T (p.Arg411=)

Gene: SERAC1 (serine active site containing 1; minus strand). Cytogenetic location: 6q25.3.
Variant type: single nucleotide variant.
Coding change: c.1233C>T on transcript NM_032861.4 (MANE Select); coding-DNA position 1233, C replaced by T.
Protein change: p.Arg411=; no amino-acid change (arginine 411 retained).
Molecular consequence: synonymous variant. On other transcripts: non-coding transcript variant (1).
Genome position (GRCh38, 1-based): chr6:158,119,104, G>A on the plus strand (C>T on the coding strand, the complement: SERAC1 is on the minus strand). VCF-style: chr6-158119104-G-A. GRCh37 (hg19) VCF-style: chr6-158540136-G-A.
Identifiers: ClinVar variation 3251203 (VCV003251203.19), dbSNP rs2483477495.
Genomic context (GRCh38, chr6:158,119,104, plus strand): 5'-CGTATATCTGTCTTCATCCTCCATAGGTTTTTCAATTACAGCCTGCTCACTGTCCTGCTG[G>A]CGCCATGTTTTGAATGCTGCTCCCATAAGGCCATGAATAAAAAGGACATCTGCTTTAATG-3'
Protein context (NP_116250.3, residues 401-421): GLMGAAFKTW[Arg411=]QQDSEQAVIE